The following is an entry in ClinVar:

NM_000275.3(OCA2):c.2012A>G (p.Glu671Gly)

Gene: OCA2 (OCA2 melanosomal transmembrane protein; minus strand). Cytogenetic location: 15q13.1.
Variant type: single nucleotide variant.
Coding change: c.2012A>G on transcript NM_000275.3 (MANE Select); coding-DNA position 2012, A replaced by G.
Protein change: p.Glu671Gly; replaces glutamic acid 671 with glycine.
Molecular consequence: missense variant.
Genome position (GRCh38, 1-based): chr15:27,926,194, T>C on the plus strand (A>G on the coding strand, the complement: OCA2 is on the minus strand). VCF-style: chr15-27926194-T-C. GRCh37 (hg19) VCF-style: chr15-28171340-T-C.
Other names: c.1940A>G, p.Glu647Gly (NM_001300984.2); short protein forms E647G, E671G.
Identifiers: ClinVar variation 3251708 (VCV003251708.1), dbSNP rs797045838.

ClinVar aggregate classification (germline): Uncertain significance (1 of 4 stars; one submission).

gnomAD v4.1: 2 of 1,614,102 alleles (0.00012%); highest among the groups gnomAD compares: Admixed American, 0.0017%; no homozygotes.

Submission:

Women's Health and Genetics/Laboratory Corporation of America, LabCorp
Classification: Uncertain significance. Last evaluated: 2024-04-25. Review status: criteria provided, single submitter. Criteria: LabCorp Variant Classification Summary - May 2015. Collection method: clinical testing. Allele origin: germline.
Comment: Variant summary: OCA2 c.2012A>G (p.Glu671Gly) results in a non-conservative amino acid change located in the Citrate transporter-like domain (IPR004680) of the encoded protein sequence. Five of five in-silico tools predict a damaging effect of the variant on protein function. The variant allele was found at a frequency of 4e-06 in 251302 control chromosomes. The available data on variant occurrences in the general population are insufficient to allow any conclusion about variant significance. To our knowledge, no occurrence of c.2012A>G in individuals affected with Oculocutaneous Albinism and no experimental evidence demonstrating its impact on protein function have been reported. No submitters have cited clinical-significance assessments for this variant to ClinVar. Based on the evidence outlined above, the variant was classified as uncertain significance.